The following is an entry in ClinVar:

ClinVar aggregate classification (germline): Pathogenic (1 of 4 stars; one submission).

Conditions:
Fetal akinesia deformation sequence 1 (FADS1). Also called: Fetal akinesia sequence; Pena-Shokeir syndrome type I. Identifiers: Orphanet 994, MedGen C1276035, MONDO:0100101, OMIM 208150, HP:0001989.
Congenital myasthenic syndrome 10. Also called: Myasthenia, limb-girdle, familial. Identifiers: Orphanet 590, MedGen C1850792, MONDO:0009690, OMIM 254300.

Submission:

Labcorp Genetics (formerly Invitae), Labcorp
Classification: Pathogenic for Congenital myasthenic syndrome 10; Fetal akinesia deformation sequence 1. Last evaluated: 2023-06-25. Review status: criteria provided, single submitter. Criteria: Invitae Variant Classification Sherloc (09022015). Collection method: clinical testing. Allele origin: germline.
Comment: For these reasons, this variant has been classified as Pathogenic. ClinVar contains an entry for this variant (Variation ID: 1453023). This variant has not been reported in the literature in individuals affected with DOK7-related conditions. This variant is not present in population databases (gnomAD no frequency). This sequence change creates a premature translational stop signal (p.Trp100*) in the DOK7 gene. It is expected to result in an absent or disrupted protein product. Loss-of-function variants in DOK7 are known to be pathogenic (PMID: 16794080, 16917026, 18626973, 19261599).

Literature cited by the submitters: PubMed 16794080; PubMed 16917026; PubMed 18626973; PubMed 19261599.

NM_173660.5(DOK7):c.299G>A (p.Trp100Ter)

Gene: DOK7 (docking protein 7; plus strand). Cytogenetic location: 4p16.3.
Variant type: single nucleotide variant.
Coding change: c.299G>A on transcript NM_173660.5 (MANE Select); coding-DNA position 299, G replaced by A.
Protein change: p.Trp100Ter; replaces tryptophan 100 with a stop codon.
Molecular consequence: nonsense. On other transcripts: intron variant (1).
Genome position (GRCh38, 1-based): chr4:3,473,604, G>A. VCF-style: chr4-3473604-G-A. GRCh37 (hg19) VCF-style: chr4-3475331-G-A.
Other names: c.299G>A, p.Trp100Ter (NM_001164673.2, NM_001301071.2); c.100+10053G>A (NM_001363811.2); short protein forms W100*.
Identifiers: ClinVar variation 1453023 (VCV001453023.6), dbSNP rs2109336441, ClinGen allele CA356113696.
Genomic context (GRCh38, chr4:3,473,604, plus strand): 5'-TTGTCTGCCTGTCCCAGGCCATCATGCTGGGCTTTGACAGCCACGAGGCCATGTGTGCGT[G>A]GGATGCCCGGATCCGCTATGCGCTCGGCGAGGGTGAGTGACGGGGGCCGGGGCCGGGCGG-3'